The following is an entry in ClinVar:

ClinVar aggregate classification (germline): Uncertain significance. Review status: criteria provided, multiple submitters, no conflicts (2 of 4 stars). 2 submissions from 2 submitters: Uncertain significance (2). Last evaluated 2021-09-16.

Conditions:
Hereditary cancer-predisposing syndrome. Also called: Neoplastic Syndromes, Hereditary; Tumor predisposition; Hereditary neoplastic syndrome; Hereditary Cancer Syndrome. Identifiers: Orphanet 140162, MedGen C0027672, MeSH D009386, MONDO:0015356.

Submissions (2):

Labcorp Genetics (formerly Invitae), Labcorp
Classification: Uncertain significance. Last evaluated: 2021-09-16. Review status: criteria provided, single submitter. Criteria: Invitae Variant Classification Sherloc (09022015). Collection method: clinical testing. Allele origin: germline.
Comment: In summary, the available evidence is currently insufficient to determine the role of this variant in disease. Therefore, it has been classified as a Variant of Uncertain Significance. Algorithms developed to predict the effect of missense changes on protein structure and function (SIFT, PolyPhen-2, Align-GVGD) all suggest that this variant is likely to be disruptive. This variant has not been reported in the literature in individuals affected with NTHL1-related conditions. This variant is not present in population databases (ExAC no frequency). This sequence change replaces threonine with arginine at codon 160 of the NTHL1 protein (p.Thr160Arg). The threonine residue is moderately conserved and there is a moderate physicochemical difference between threonine and arginine.

Ambry Genetics
Classification: Uncertain significance for Hereditary cancer-predisposing syndrome. Last evaluated: 2021-08-05. Review status: criteria provided, single submitter. Criteria: Ambry Variant Classification Scheme 2023. Collection method: clinical testing. Allele origin: germline.
Comment: The p.T160R variant (also known as c.479C>G), located in coding exon 3 of the NTHL1 gene, results from a C to G substitution at nucleotide position 479. The threonine at codon 160 is replaced by arginine, an amino acid with similar properties. This amino acid position is conserved. In addition, this alteration is predicted to be deleterious by in silico analysis. Since supporting evidence is limited at this time, the clinical significance of this alteration remains unclear.

NM_002528.7(NTHL1):c.455C>G (p.Thr152Arg)

Gene: NTHL1 (nth like DNA glycosylase 1; minus strand). Cytogenetic location: 16p13.3.
Variant type: single nucleotide variant.
Coding change: c.455C>G on transcript NM_002528.7 (MANE Select); coding-DNA position 455, C replaced by G.
Protein change: p.Thr152Arg; replaces threonine 152 with arginine.
Molecular consequence: missense variant. On other transcripts: intron variant (1).
Genome position (GRCh38, 1-based): chr16:2,044,700, G>C on the plus strand (C>G on the coding strand, the complement: NTHL1 is on the minus strand). VCF-style: chr16-2044700-G-C. GRCh37 (hg19) VCF-style: chr16-2094701-G-C.
Other names: c.455C>G, p.Thr152Arg (LRG_1366t1); c.125C>G, p.Thr42Arg (NM_001318194.2); c.355-974C>G (NM_001318193.2); short protein forms T152R, T42R.
Identifiers: ClinVar variation 662331 (VCV000662331.9), dbSNP rs756403102, ClinGen allele CA394294279.
Genomic context (GRCh38, chr16:2,044,700, plus strand): 5'-CCGACGGGGTAGATGAGCTTGCCCAGCGTGGCATCATCTGTCTGCAGGATGCTGTCCACC[G>C]TCAGGCCCCGCGCCCGCAGTCGCTGCATGGCGCCCGCCGTCACCTGGTCTTTGGTTTGGC-3'
Protein context (NP_002519.2, residues 142-162): AMQRLRARGL[Thr152Arg]VDSILQTDDA